The following is an entry in ClinVar:

ClinVar aggregate classification (germline): Uncertain significance (1 of 4 stars; one submission).

Conditions:
Combined oxidative phosphorylation defect type 17. Also called: Combined oxidative phosphorylation deficiency 17. Identifiers: Orphanet 369913, MedGen C3809526, MONDO:0014190, OMIM 615440.

Submission:

Labcorp Genetics (formerly Invitae), Labcorp
Classification: Uncertain significance for Combined oxidative phosphorylation defect type 17. Last evaluated: 2021-08-21. Review status: criteria provided, single submitter. Criteria: Invitae Variant Classification Sherloc (09022015). Collection method: clinical testing. Allele origin: germline.
Comment: This variant results in a copy number gain of the genomic region encompassing exon(s) 9-24 of the ELAC2 gene. The 5' boundary is likely confined to intron 8. The 3' end of this event is unknown as it extends beyond the assayed region for this gene and therefore may encompass additional genes. As the precise location of this event is unknown, it may be in tandem or it may be located elsewhere in the genome. This variant has not been reported in the literature in individuals with ELAC2-related conditions. Experimental studies and prediction algorithms are not available or were not evaluated, and the functional significance of this variant is currently unknown. In summary, the available evidence is currently insufficient to determine the role of this variant in disease. Therefore, it has been classified as a Variant of Uncertain Significance.

NC_000017.10:g.(?_12896135)_(12909316_?)dup

Gene: ELAC2 (elaC ribonuclease Z 2; minus strand). Cytogenetic location: 17p12.
Variant type: Duplication.
Identifiers: ClinVar variation 1401449 (VCV001401449.4).